The following is an entry in ClinVar:

ClinVar aggregate classification (germline): Uncertain significance (1 of 4 stars; one submission).

Allele frequency attached by ClinVar (database versions not stated): gnomAD 0.00001.
gnomAD v4.1: 1 of 1,612,698 alleles (0.000062%); highest among the groups gnomAD compares: African/African-American, 0.0013%; no homozygotes.

Submission:

Labcorp Genetics (formerly Invitae), Labcorp
Classification: Uncertain significance. Last evaluated: 2024-10-26. Review status: criteria provided, single submitter. Criteria: Invitae Variant Classification Sherloc (09022015). Collection method: clinical testing. Allele origin: germline.
Comment: This sequence change replaces threonine, which is neutral and polar, with isoleucine, which is neutral and non-polar, at codon 87 of the RDH11 protein (p.Thr87Ile). This variant is not present in population databases (gnomAD no frequency). This variant has not been reported in the literature in individuals affected with RDH11-related conditions. ClinVar contains an entry for this variant (Variation ID: 1480744). An algorithm developed to predict the effect of missense changes on protein structure and function outputs the following: PolyPhen-2: "Benign". The isoleucine amino acid residue is found in multiple mammalian species, which suggests that this missense change does not adversely affect protein function. In summary, the available evidence is currently insufficient to determine the role of this variant in disease. Therefore, it has been classified as a Variant of Uncertain Significance.

NM_016026.4(RDH11):c.260C>T (p.Thr87Ile)

Genes: GPHN (gephyrin; plus strand), RDH11 (retinol dehydrogenase 11; minus strand). Cytogenetic location: 14q24.1.
Variant type: single nucleotide variant.
Coding change: c.260C>T on transcript NM_016026.4 (MANE Select); coding-DNA position 260, C replaced by T.
Protein change: p.Thr87Ile; replaces threonine 87 with isoleucine.
Molecular consequence: missense variant.
Genome position (GRCh38, 1-based): chr14:67,692,527, G>A on the plus strand (C>T on the coding strand, the complement: RDH11 is on the minus strand). VCF-style: chr14-67692527-G-A. GRCh37 (hg19) VCF-style: chr14-68159244-G-A.
Other names: c.260C>T, p.Thr87Ile (NM_001252650.2); short protein forms T87I.
Identifiers: ClinVar variation 1480744 (VCV001480744.6), dbSNP rs1421238222, ClinGen allele CA390136750.